The following is an entry in ClinVar:

ClinVar aggregate classification (germline): Uncertain significance (1 of 4 stars; one submission).

Submission:

GeneDx
Classification: Uncertain significance. Last evaluated: 2023-07-03. Review status: criteria provided, single submitter. Criteria: GeneDx Variant Classification Process June 2021. Collection method: clinical testing. Allele origin: germline. Affected: yes.
Comment: Not observed at significant frequency in large population cohorts (gnomAD); In silico analysis supports that this missense variant has a deleterious effect on protein structure/function; Has not been previously published as pathogenic or benign to our knowledge

NM_007129.5(ZIC2):c.1115G>C (p.Arg372Pro)

Gene: ZIC2 (Zic family member 2; plus strand). Cytogenetic location: 13q32.3.
Variant type: single nucleotide variant.
Coding change: c.1115G>C on transcript NM_007129.5 (MANE Select); coding-DNA position 1115, G replaced by C.
Protein change: p.Arg372Pro; replaces arginine 372 with proline.
Molecular consequence: missense variant.
Genome position (GRCh38, 1-based): chr13:99,984,985, G>C. VCF-style: chr13-99984985-G-C. GRCh37 (hg19) VCF-style: chr13-100637239-G-C.
Other names: short protein forms R372P.
Identifiers: ClinVar variation 3360688 (VCV003360688.1).